The following is an entry in ClinVar:

ClinVar aggregate classification (germline): Uncertain significance (3 of 4 stars; one submission).

Conditions:
Open-angle glaucoma. Identifiers: MedGen C0017612, MONDO:0005338, HP:0012108.

Allele frequency attached by ClinVar (database versions not stated): gnomAD 0.00001 and 0.00002; gnomAD exomes 0.00002 and 0.00005; TOPMed 0.00002; ExAC 0.00004.
gnomAD v4.1: 36 of 1,614,030 alleles (0.0022%); highest among the groups gnomAD compares: South Asian, 0.014%; no homozygotes.

Submission:

ClinGen Glaucoma Variant Curation Expert Panel
Classification: Uncertain significance for Open-angle glaucoma. Last evaluated: 2025-11-12. Review status: reviewed by expert panel. Criteria: ClinGen Glaucoma ACMG Specifications V2.0.0 Approved. Collection method: curation. Allele origin: germline. Inheritance: Autosomal dominant inheritance.
Comment: The c.1279G>A variant in MYOC is a missense variant predicted to cause substitution of Alanine by Threonine at amino acid 427 (p.Ala427Thr). The highest minor allele frequency of this variant was in the South Asian genetic ancestry group of gnomAD (v4.1.0) = 0.0001427 (13 alleles out of 91,084), which did not meet the PM2_Supporting allele frequency threshold (≤ 0.0001) or the BS1 allele frequency threshold (≥ 0.001). The REVEL score = 0.87, which was within the 0.773-0.931 range for PP3_Moderate, predicting a damaging effect on MYOC function. The Ala427Thr protein had similar secretion levels compared to wild type myocilin protein in this study (PMID: 16466712). The assay met the OddsPath threshold for BS3_Moderate (< 0.23), indicating that this variant did not impact protein function. This protein has also been assessed in another solubility/secretion assay (PMID: 36579626) as well as in thermostability assays (PMIDs: 24333014, 25524706, 23129764, 21612213, 36579626). Due to indeterminate and inconsistent results, the results from the other assays have not been included as functional evidence. Only 1 segregation had been reported for primary open angle glaucoma (PMID: 12189160), not meeting the ≥ 3 segregations required for PP1. Although probands with POAG have been reported carrying this variant, PM2_Supporting was not met, therefore PS4 did not apply. In summary, this variant met the criteria to receive a score of 0 and to be classified as a variant of uncertain significance (uncertain significance classification range -1 to 5, adapted from PMID: 32720330) for primary open angle glaucoma based on the ACMG/AMP criteria met, as specified by the ClinGen Glaucoma VCEP (v2.0.0, 5 Dec 2024): PP3_Moderate, BS3_Moderate

Literature cited by the submitters: PubMed 21612213; PubMed 24333014; PubMed 36579626; PubMed 23129764; PubMed 16466712; PubMed 25524706.

NM_000261.2(MYOC):c.1279G>A (p.Ala427Thr)

Gene: MYOC (myocilin; minus strand). Cytogenetic location: 1q24.3.
Variant type: single nucleotide variant.
Coding change: c.1279G>A on transcript NM_000261.2 (MANE Select); coding-DNA position 1279, G replaced by A.
Protein change: p.Ala427Thr; replaces alanine 427 with threonine.
Molecular consequence: missense variant.
Genome position (GRCh38, 1-based): chr1:171,636,161, C>T on the plus strand (G>A on the coding strand, the complement: MYOC is on the minus strand). VCF-style: chr1-171636161-C-T. GRCh37 (hg19) VCF-style: chr1-171605301-C-T.
Other names: NM_000261.2:c.1279G>A; short protein forms A427T.
Identifiers: ClinVar variation 1686783 (VCV001686783.4), dbSNP rs754237376, ClinGen allele CA1244050.